The following is an entry in ClinVar:

ClinVar aggregate classification (germline): Uncertain significance (1 of 4 stars; one submission).

Allele frequency attached by ClinVar (database versions not stated): ExAC 0.00001; gnomAD 0.00001; gnomAD exomes 0.00001; TOPMed 0.00002.
gnomAD v4.1: 16 of 1,614,054 alleles (0.00099%); highest among the groups gnomAD compares: Non-Finnish European, 0.0014%; no homozygotes.

Submission:

Labcorp Genetics (formerly Invitae), Labcorp
Classification: Uncertain significance. Last evaluated: 2024-06-12. Review status: criteria provided, single submitter. Criteria: Invitae Variant Classification Sherloc (09022015). Collection method: clinical testing. Allele origin: germline.
Comment: This sequence change replaces glutamine, which is neutral and polar, with arginine, which is basic and polar, at codon 355 of the PRPF4 protein (p.Gln355Arg). This variant is present in population databases (rs755953200, gnomAD 0.002%). This variant has not been reported in the literature in individuals affected with PRPF4-related conditions. An algorithm developed to predict the effect of missense changes on protein structure and function (PolyPhen-2) suggests that this variant is likely to be tolerated. In summary, the available evidence is currently insufficient to determine the role of this variant in disease. Therefore, it has been classified as a Variant of Uncertain Significance.

NM_001244926.2(PRPF4):c.1061A>G (p.Gln354Arg)

Gene: PRPF4 (pre-mRNA splicing tri-snRNP complex factor PRPF4; plus strand). Cytogenetic location: 9q32.
Variant type: single nucleotide variant.
Coding change: c.1061A>G on transcript NM_001244926.2 (MANE Select); coding-DNA position 1061, A replaced by G.
Protein change: p.Gln354Arg; replaces glutamine 354 with arginine.
Molecular consequence: missense variant. On other transcripts: non-coding transcript variant (2).
Genome position (GRCh38, 1-based): chr9:113,290,504, A>G. VCF-style: chr9-113290504-A-G. GRCh37 (hg19) VCF-style: chr9-116052784-A-G.
Other names: c.335A>G, p.Gln112Arg (NM_001322266.2, NM_001322267.2); c.1064A>G, p.Gln355Arg (NM_004697.5); short protein forms Q112R, Q354R, Q355R.
Identifiers: ClinVar variation 1006956 (VCV001006956.8), dbSNP rs755953200, ClinGen allele CA5195085.